The following is an entry in ClinVar:

ClinVar aggregate classification (germline): Pathogenic. Review status: criteria provided, multiple submitters, no conflicts (2 of 4 stars). 3 submissions from 3 submitters: Pathogenic (3). Last evaluated 2023-11-06.

Conditions:
Hereditary cancer-predisposing syndrome. Also called: Hereditary neoplastic syndrome; Neoplastic Syndromes, Hereditary; Tumor predisposition; Hereditary Cancer Syndrome. Identifiers: Orphanet 140162, MedGen C0027672, MeSH D009386, MONDO:0015356.
Familial thoracic aortic aneurysm and aortic dissection (TAAD). Also called: Thoracic aortic aneurysms and dissections. Identifiers: Orphanet 91387, MedGen C4707243, MONDO:0019625.
Juvenile polyposis syndrome (JPS). Identifiers: Orphanet 2929, MedGen C0345893, MONDO:0017380, OMIM 174900.
Juvenile polyposis/hereditary hemorrhagic telangiectasia syndrome (JPHT). Also called: JP/HHT SYNDROME; JUVENILE POLYPOSIS WITH HEREDITARY HEMORRHAGIC TELANGIECTASIA; POLYPOSIS, GENERALIZED JUVENILE, WITH PULMONARY ARTERIOVENOUS MALFORMATION; TELANGIECTASIA, HEREDITARY HEMORRHAGIC, WITH JUVENILE POLYPOSIS COLI; Juvenile Polyposis Syndrome / Hereditary Hemorrhagic Telangiectasia (JPS/HHT). Identifiers: Orphanet 2929, MedGen C1832942, MONDO:0008278, OMIM 175050.

Submissions (3):

Myriad Genetics, Inc.
Classification: Pathogenic for Juvenile polyposis/hereditary hemorrhagic telangiectasia syndrome. Last evaluated: 2023-11-06. Review status: criteria provided, single submitter. Criteria: Myriad Autosomal Dominant, Autosomal Recessive and X-Linked Classification Criteria (2023). Collection method: clinical testing. Allele origin: unknown.
Comment: This variant is considered pathogenic. This variant creates a frameshift predicted to result in premature protein truncation.

Labcorp Genetics (formerly Invitae), Labcorp
Classification: Pathogenic for Juvenile polyposis syndrome. Last evaluated: 2022-10-20. Review status: criteria provided, single submitter. Criteria: Invitae Variant Classification Sherloc (09022015). Collection method: clinical testing. Allele origin: germline.
Comment: This sequence change creates a premature translational stop signal (p.Gln245Profs*20) in the SMAD4 gene. It is expected to result in an absent or disrupted protein product. Loss-of-function variants in SMAD4 are known to be pathogenic (PMID: 16152648, 16436638, 22810475). This variant is not present in population databases (gnomAD no frequency). This premature translational stop signal has been observed in individual(s) with juvenile polyposis syndrome (PMID: 16436638). This variant is also known as 729-730insCCGC. ClinVar contains an entry for this variant (Variation ID: 24813). For these reasons, this variant has been classified as Pathogenic.

Ambry Genetics
Classification: Pathogenic for Hereditary cancer-predisposing syndrome; Familial thoracic aortic aneurysm and aortic dissection. Last evaluated: 2020-09-17. Review status: criteria provided, single submitter. Criteria: Ambry Variant Classification Scheme 2023. Collection method: clinical testing. Allele origin: germline.
Comment: The c.731_732insGCCC pathogenic mutation, located in coding exon 5 of the SMAD4 gene, results from an insertion of 4 nucleotides at position 731, causing a translational frameshift with a predicted alternate stop codon (p.Q245Pfs*20). This alteration is expected to result in loss of function by premature protein truncation or nonsense-mediated mRNA decay. As such, this alteration is interpreted as a disease-causing mutation.

Literature cited by the submitters: PubMed 16152648 (cited by Labcorp Genetics (formerly Invitae), Labcorp); PubMed 16436638 (cited by Labcorp Genetics (formerly Invitae), Labcorp); PubMed 22810475 (cited by Labcorp Genetics (formerly Invitae), Labcorp).

NM_005359.5(SMAD4):c.731_732insGCCC(p.Gln245Profs)

Gene: SMAD4 (SMAD family member 4; plus strand). Cytogenetic location: 18q21.2.
Variant type: Insertion.
Coding change: c.731_732insGCCC(p.Gln245Profs) on transcript NM_005359.5; coding-DNA positions 731 to 732, an insertion.
Molecular consequence: frameshift variant (on NM_005359.6).
Genome position: GRCh38 VCF-style: chr18-51058186-G-GCCGC. GRCh37 (hg19) VCF-style: chr18-48584556-G-GCCGC.
Other names: c.731_732insGCCC, p.Gln245fs (NM_005359.6); short protein forms Q245fs.
Identifiers: ClinVar variation 24813 (VCV000024813.11), dbSNP rs377767335, ClinGen allele CA259188.
Genomic context (GRCh38, chr18:51,058,186, plus strand): 5'-TCAGCCTGCCAGTATACTGGGGGGCAGCCATAGTGAAGGACTGTTGCAGATAGCATCAGG[G>GCCGC]CCTCAGCCAGGACAGCAGCAGAATGGATTTACTGGTCAGCCAGCTACTTACCATCATAGT-3'